The following is an entry in ClinVar:

ClinVar aggregate classification (germline): Likely pathogenic (1 of 4 stars; one submission).

Conditions:
Glycine encephalopathy. Also called: Non-ketotic hyperglycinemia; Nonketotic hyperglycinemia. Identifiers: Orphanet 407, MedGen C0751748, MONDO:0011612, HP:0008288.

Submission:

Myriad Genetics, Inc.
Classification: Likely pathogenic for Glycine encephalopathy 1. Last evaluated: 2022-05-04. Review status: criteria provided, single submitter. Criteria: Myriad Women's Health Autosomal Recessive and X-Linked Classification Criteria (2021). Collection method: clinical testing. Allele origin: unknown.
Comment: NM_000170.2(GLDC):c.951_952delCC(Q318Efs*91) is expected to be pathogenic in the context of glycine encephalopathy, GLDC-related. This variant is predicted to lead to an abnormal or absent protein product due to the creation of a premature termination codon in GLDC, a gene where loss-of-function variants are known to be pathogenic. Please note: this variant was assessed in the context of healthy population screening.

NM_000170.3(GLDC):c.951_952del (p.Gln318fs)

Gene: GLDC (glycine decarboxylase; minus strand). Cytogenetic location: 9p24.1.
Variant type: Deletion.
Coding change: c.951_952del on transcript NM_000170.3 (MANE Select); coding-DNA positions 951 to 952, 2 bases deleted (CC; older notation c.951_952delCC).
Protein change: p.Gln318fs; shifts the reading frame from glutamine 318.
Molecular consequence: frameshift variant.
Genome position (GRCh38, 1-based): chr9:6,604,694-6,604,695, GG deleted on the plus strand (CC on the coding strand, the reverse complement: GLDC is on the minus strand); deleting any 2 consecutive bases within chr9:6,604,694-6,604,696 gives the same sequence; the c. name uses the placement nearest the transcript's 3' end. VCF-style (leftmost placement, unchanged base first): chr9-6604693-TGG-T. GRCh37 (hg19) VCF-style: chr9-6604693-TGG-T.
Other names: short protein forms Q318fs.
Identifiers: ClinVar variation 1726009 (VCV001726009.2), dbSNP rs2489103106, ClinGen allele CA2580080245.